The following is an entry in ClinVar:

NM_000257.4(MYH7):c.1144G>C (p.Asp382His)

Gene: MYH7 (myosin heavy chain 7; minus strand). Cytogenetic location: 14q11.2.
Variant type: single nucleotide variant.
Coding change: c.1144G>C on transcript NM_000257.4 (MANE Select); coding-DNA position 1144, G replaced by C.
Protein change: p.Asp382His; replaces aspartic acid 382 with histidine.
Molecular consequence: missense variant.
Genome position (GRCh38, 1-based): chr14:23,429,342, C>G on the plus strand (G>C on the coding strand, the complement: MYH7 is on the minus strand). VCF-style: chr14-23429342-C-G. GRCh37 (hg19) VCF-style: chr14-23898551-C-G.
Other names: short protein forms D382H.
Identifiers: ClinVar variation 1484121 (VCV001484121.6), dbSNP rs878853836, ClinGen allele CA389051252.

ClinVar aggregate classification (germline): Uncertain significance (1 of 4 stars; one submission).

Conditions:
Hypertrophic cardiomyopathy. Also called: HYPERTROPHIC MYOCARDIOPATHY. Identifiers: Orphanet 217569, MedGen C0007194, MeSH D002312, MONDO:0005045, HP:0001639.

Submission:

Labcorp Genetics (formerly Invitae), Labcorp
Classification: Uncertain significance for Hypertrophic cardiomyopathy. Last evaluated: 2026-01-13. Review status: criteria provided, single submitter. Criteria: Invitae Variant Classification Sherloc (09022015). Collection method: clinical testing. Allele origin: germline.
Comment: This sequence change replaces aspartic acid, which is acidic and polar, with histidine, which is basic and polar, at codon 382 of the MYH7 protein (p.Asp382His). This variant is not present in population databases (gnomAD no frequency). This variant has not been reported in the literature in individuals affected with MYH7-related conditions. ClinVar contains an entry for this variant (Variation ID: 1484121). Invitae Evidence Modeling of protein sequence and biophysical properties (such as structural, functional, and spatial information, amino acid conservation, physicochemical variation, residue mobility, and thermodynamic stability) indicates that this missense variant is expected to disrupt MYH7 protein function with a positive predictive value of 95%. This variant is found within a region of MYH7 between codons 181 and 937 that contains the majority of the myosin head domain. Missense variants in this region have been shown to be significantly overrepresented in individuals with hypertrophic cardiomyopathy (PMID: 27532257). This variant disrupts the p.Asp382 amino acid residue in MYH7. Other variant(s) that disrupt this residue have been determined to be pathogenic (PMID: 20031618, 31213605; internal data). This suggests that this residue is clinically significant, and that variants that disrupt this residue are likely to be disease-causing. In summary, the available evidence is currently insufficient to determine the role of this variant in disease. Therefore, it has been classified as a Variant of Uncertain Significance.

Literature cited by the submitters: PubMed 27532257; PubMed 20031618; PubMed 31213605.